The following is an entry in ClinVar:

ClinVar aggregate classification (germline): Pathogenic (1 of 4 stars; one submission).

Conditions:
Familial thoracic aortic aneurysm and aortic dissection (TAAD). Also called: Thoracic aortic aneurysms and dissections. Identifiers: Orphanet 91387, MedGen C4707243, MONDO:0019625.
Marfan syndrome (MFS). Also called: FBN1-Related Marfan Syndrome; Marfan syndrome type 1; Marfan's syndrome; Marfan syndrome, classic; MARFAN SYNDROME, TYPE I. Identifiers: Orphanet 284963, Orphanet 558, MedGen C0024796, MONDO:0007947, OMIM 154700.

Submission:

Labcorp Genetics (formerly Invitae), Labcorp
Classification: Pathogenic for Marfan syndrome; Familial thoracic aortic aneurysm and aortic dissection. Last evaluated: 2022-12-06. Review status: criteria provided, single submitter. Criteria: Invitae Variant Classification Sherloc (09022015). Collection method: clinical testing. Allele origin: germline.
Comment: For these reasons, this variant has been classified as Pathogenic. This variant disrupts the p.Cys914 amino acid residue in FBN1. Other variant(s) that disrupt this residue have been observed in individuals with FBN1-related conditions (PMID: 27906200, 31730815, 34550612), which suggests that this may be a clinically significant amino acid residue. This variant affects a cysteine residue in the EGF-like, TGFBP or hybrid motif domains of FBN1. Cysteine residues are believed to be involved in intramolecular disulfide bridges and have been shown to be important for FBN1 protein structure (PMID: 16905551, 19349279). In addition, missense substitutions affecting cysteine residues within these domains are significantly overrepresented among patients with Marfan syndrome (PMID: 16571647, 17701892). Advanced modeling of protein sequence and biophysical properties (such as structural, functional, and spatial information, amino acid conservation, physicochemical variation, residue mobility, and thermodynamic stability) performed at Invitae indicates that this missense variant is expected to disrupt FBN1 protein function. ClinVar contains an entry for this variant (Variation ID: 652247). This missense change has been observed in individual(s) with aortic disease (PMID: 27611364). This variant is not present in population databases (gnomAD no frequency). This sequence change replaces cysteine, which is neutral and slightly polar, with arginine, which is basic and polar, at codon 914 of the FBN1 protein (p.Cys914Arg).

Literature cited by the submitters: PubMed 27906200; PubMed 31730815; PubMed 34550612; PubMed 16905551; PubMed 19349279; PubMed 16571647; PubMed 17701892; PubMed 27611364.

NM_000138.5(FBN1):c.2740T>C (p.Cys914Arg)

Gene: FBN1 (fibrillin 1; minus strand). Cytogenetic location: 15q21.1.
Variant type: single nucleotide variant.
Coding change: c.2740T>C on transcript NM_000138.5 (MANE Select); coding-DNA position 2740, T replaced by C.
Protein change: p.Cys914Arg; replaces cysteine 914 with arginine.
Molecular consequence: missense variant.
Genome position (GRCh38, 1-based): chr15:48,492,575, A>G on the plus strand (T>C on the coding strand, the complement: FBN1 is on the minus strand). VCF-style: chr15-48492575-A-G. GRCh37 (hg19) VCF-style: chr15-48784772-A-G.
Other names: short protein forms C914R.
Identifiers: ClinVar variation 652247 (VCV000652247.8), dbSNP rs1555398994, ClinGen allele CA392330874.